The following is an entry in ClinVar:

NM_201384.3(PLEC):c.9708G>C (p.Lys3236Asn)

Gene: PLEC (plectin; minus strand). Cytogenetic location: 8q24.3.
Variant type: single nucleotide variant.
Coding change: c.9708G>C on transcript NM_201384.3 (MANE Select); coding-DNA position 9708, G replaced by C.
Protein change: p.Lys3236Asn; replaces lysine 3236 with asparagine.
Molecular consequence: missense variant.
Genome position (GRCh38, 1-based): chr8:143,920,113, C>G on the plus strand (G>C on the coding strand, the complement: PLEC is on the minus strand). VCF-style: chr8-143920113-C-G. GRCh37 (hg19) VCF-style: chr8-144994281-C-G.
Other names: c.9789G>C, p.Lys3263Asn (NM_000445.5); c.9666G>C, p.Lys3222Asn (NM_201378.4); c.9642G>C, p.Lys3214Asn (NM_201379.3); c.10119G>C, p.Lys3373Asn (NM_201380.4); c.9612G>C, p.Lys3204Asn (NM_201381.3); c.9708G>C, p.Lys3236Asn (NM_201382.4); c.9720G>C, p.Lys3240Asn (NM_201383.3); short protein forms K3373N, K3214N, K3222N, K3263N, K3204N, K3236N, K3240N.
Identifiers: ClinVar variation 863418 (VCV000863418.7), dbSNP rs782753536, ClinGen allele CA4924880.

ClinVar aggregate classification (germline): Uncertain significance. Review status: criteria provided, multiple submitters, no conflicts (2 of 4 stars). 2 submissions from 2 submitters: Uncertain significance (2). Last evaluated 2023-12-20.

Conditions:
Epidermolysis bullosa simplex 5B, with muscular dystrophy (EBS5B). Also called: EPIDERMOLYSIS BULLOSA SIMPLEX AND LIMB-GIRDLE MUSCULAR DYSTROPHY; Epidermolysis bullosa simplex with muscular dystrophy. Identifiers: Orphanet 257, MedGen C2931072, MONDO:0009181, OMIM 226670.
Epidermolysis bullosa simplex, Ogna type (EBS5A). Also called: Pidermolysis bullosa simplex 5A, Ogna type; EPIDERMOLYSIS BULLOSA SIMPLEX 5A, OGNA TYPE. Identifiers: Orphanet 79401, MedGen C0432317, MONDO:0007555, OMIM 131950.
Epidermolysis bullosa simplex 5C, with pyloric atresia (EBS5C). Also called: PLEC1-Related Epidermolysis Bullosa with Pyloric Atresia; PLEC-Related Epidermolysis Bullosa with Pyloric Atresia; Epidermolysis bullosa simplex with pyloric atresia. Identifiers: Orphanet 158684, MedGen C2677349, MONDO:0012807, OMIM 612138.
Autosomal recessive limb-girdle muscular dystrophy type 2Q (LGMDR17). Also called: MUSCULAR DYSTROPHY, LIMB-GIRDLE, AUTOSOMAL RECESSIVE 17. Identifiers: Orphanet 254361, MedGen C3150989, MONDO:0013390, OMIM 613723.
Epidermolysis bullosa simplex with nail dystrophy (EBS5D). Identifiers: MedGen C4225309, MONDO:0014661, OMIM 616487.

Allele frequency attached by ClinVar (database versions not stated): TOPMed below 0.00001.
gnomAD v4.1: 25 of 1,613,086 alleles (0.0015%); highest among the groups gnomAD compares: Middle Eastern, 0.016%; no homozygotes.

Submissions (2):

Labcorp Genetics (formerly Invitae), Labcorp
Classification: Uncertain significance for Autosomal recessive limb-girdle muscular dystrophy type 2Q; Epidermolysis bullosa simplex, Ogna type; Epidermolysis bullosa simplex with nail dystrophy; Epidermolysis bullosa simplex 5C, with pyloric atresia; Epidermolysis bullosa simplex 5B, with muscular dystrophy. Last evaluated: 2023-12-20. Review status: criteria provided, single submitter. Criteria: Invitae Variant Classification Sherloc (09022015). Collection method: clinical testing. Allele origin: germline.
Comment: This sequence change replaces lysine, which is basic and polar, with asparagine, which is neutral and polar, at codon 3263 of the PLEC protein (p.Lys3263Asn). This variant is present in population databases (rs782753536, gnomAD 0.01%). This variant has not been reported in the literature in individuals affected with PLEC-related conditions. ClinVar contains an entry for this variant (Variation ID: 863418). An algorithm developed to predict the effect of missense changes on protein structure and function (PolyPhen-2) suggests that this variant is likely to be tolerated. In summary, the available evidence is currently insufficient to determine the role of this variant in disease. Therefore, it has been classified as a Variant of Uncertain Significance.

Revvity Omics, Revvity
Classification: Uncertain significance. Last evaluated: 2021-09-28. Review status: criteria provided, single submitter. Criteria: ACMG Guidelines, 2015. Collection method: clinical testing. Allele origin: germline.